The following is an entry in ClinVar:

NM_005765.3(ATP6AP2):c.448A>T (p.Thr150Ser)

Gene: ATP6AP2 (ATPase H+ transporting accessory protein 2; plus strand). Cytogenetic location: Xp11.4.
Variant type: single nucleotide variant.
Coding change: c.448A>T on transcript NM_005765.3 (MANE Select); coding-DNA position 448, A replaced by T.
Protein change: p.Thr150Ser; replaces threonine 150 with serine.
Molecular consequence: missense variant.
Genome position (GRCh38, 1-based): chrX:40,597,578, A>T. VCF-style: chrX-40597578-A-T. GRCh37 (hg19) VCF-style: chrX-40456830-A-T.
Other names: short protein forms T150S.
Identifiers: ClinVar variation 1471519 (VCV001471519.6), dbSNP rs2146542684, ClinGen allele CA412755686.

ClinVar aggregate classification (germline): Uncertain significance (1 of 4 stars; one submission).

Conditions:
Intellectual developmental disorder, X-linked, syndromic, Hedera type. Also called: Syndromic X-linked intellectual disability Hedera type. Identifiers: Orphanet 93952, MedGen C1845543, MONDO:0010319, OMIM 300423.

Submission:

Labcorp Genetics (formerly Invitae), Labcorp
Classification: Uncertain significance for Intellectual developmental disorder, X-linked, syndromic, Hedera type. Last evaluated: 2021-08-08. Review status: criteria provided, single submitter. Criteria: Invitae Variant Classification Sherloc (09022015). Collection method: clinical testing. Allele origin: germline.
Comment: In summary, the available evidence is currently insufficient to determine the role of this variant in disease. Therefore, it has been classified as a Variant of Uncertain Significance. Algorithms developed to predict the effect of missense changes on protein structure and function are either unavailable or do not agree on the potential impact of this missense change (SIFT: "Tolerated"; PolyPhen-2: "Possibly Damaging"; Align-GVGD: "Class C0"). This variant has not been reported in the literature in individuals affected with ATP6AP2-related conditions. This variant is not present in population databases (ExAC no frequency). This sequence change replaces threonine with serine at codon 150 of the ATP6AP2 protein (p.Thr150Ser). The threonine residue is highly conserved and there is a small physicochemical difference between threonine and serine.